The following is an entry in ClinVar:

ClinVar aggregate classification (germline): Uncertain significance (1 of 4 stars; one submission).

gnomAD v4.1: 2 of 1,611,608 alleles (0.00012%); highest among the groups gnomAD compares: African/African-American, 0.0027%; no homozygotes.

Submission:

GeneDx
Classification: Uncertain significance. Last evaluated: 2024-09-04. Review status: criteria provided, single submitter. Criteria: GeneDx Variant Classification Process June 2021. Collection method: clinical testing. Allele origin: germline. Affected: yes.
Comment: In silico analysis supports that this missense variant has a deleterious effect on protein structure/function; Has not been previously published as pathogenic or benign to our knowledge

NM_001429.4(EP300):c.3862T>C (p.Phe1288Leu)

Gene: EP300 (E1A binding protein p300; plus strand). Cytogenetic location: 22q13.2.
Variant type: single nucleotide variant.
Coding change: c.3862T>C on transcript NM_001429.4 (MANE Select); coding-DNA position 3862, T replaced by C.
Protein change: p.Phe1288Leu; replaces phenylalanine 1288 with leucine.
Molecular consequence: missense variant.
Genome position (GRCh38, 1-based): chr22:41,166,654, T>C. VCF-style: chr22-41166654-T-C. GRCh37 (hg19) VCF-style: chr22-41562658-T-C.
Other names: c.3784T>C, p.Phe1262Leu (NM_001362843.2); short protein forms F1262L, F1288L.
Identifiers: ClinVar variation 3767737 (VCV003767737.1).